The following is an entry in ClinVar:

ClinVar aggregate classification (germline): Uncertain significance (1 of 4 stars; one submission).

Submission:

GeneDx
Classification: Uncertain significance. Last evaluated: 2022-11-29. Review status: criteria provided, single submitter. Criteria: GeneDx Variant Classification Process June 2021. Collection method: clinical testing. Allele origin: germline. Affected: yes.
Comment: Not observed at significant frequency in large population cohorts (gnomAD); In-frame insertion of 1 amino acid in a non-repeat region; This variant is associated with the following publications: (PMID: 24206879)

NM_000218.3(KCNQ1):c.598ATC[3] (p.Ile201_Asp202insIle)

Gene: KCNQ1 (potassium voltage-gated channel subfamily Q member 1; plus strand). Cytogenetic location: 11p15.5.
Variant type: Microsatellite.
Coding change: c.598ATC[3] on transcript NM_000218.3 (MANE Select); three copies in a row of the 3-base unit ATC starting at c.598; the reference has two copies in a row; one copy, 3 bases duplicated; also written c.601_603dup.
Protein change: p.Ile201_Asp202insIle.
Molecular consequence: inframe insertion. On other transcripts: inframe indel (5).
Genome position (GRCh38, 1-based): chr11:2,570,751-2,570,753, ATC duplicated; duplicating any 3 consecutive bases within chr11:2,570,747-2,570,753 gives the same sequence; the position shown is the placement nearest the transcript's 3' end. VCF-style (leftmost placement, unchanged base first): chr11-2570746-C-CCAT. GRCh37 (hg19) VCF-style: chr11-2591976-C-CCAT.
Other names: c.217_219ATC[3], p.Ile74_Asp75insIle (NM_181798.2); c.601_603dup (NM_000218.2); c.598_600ATC[3], p.Ile201_Asp202insIle (NM_000218.2, NM_001406836.1); c.328_330ATC[3], p.Ile111_Asp112insIle (NM_001406837.1).
Identifiers: ClinVar variation 1802108 (VCV001802108.1), dbSNP rs191143265, ClinGen allele CA216309956.